The following is an entry in ClinVar:

NM_000069.3(CACNA1S):c.2875del (p.Asp959fs)

Gene: CACNA1S (calcium voltage-gated channel subunit alpha1 S; minus strand). Cytogenetic location: 1q32.1.
Variant type: Deletion.
Coding change: c.2875del on transcript NM_000069.3 (MANE Select); coding-DNA position 2875, one base deleted (G; older notation c.2875delG).
Protein change: p.Asp959fs; shifts the reading frame from aspartic acid 959.
Molecular consequence: frameshift variant.
Genome position (GRCh38, 1-based): chr1:201,062,493, C deleted on the plus strand (G on the coding strand, the reverse complement: CACNA1S is on the minus strand). VCF-style (leftmost placement, unchanged base first): chr1-201062492-TC-T. GRCh37 (hg19) VCF-style: chr1-201031620-TC-T.
Other names: short protein forms D959fs.
Identifiers: ClinVar variation 1701119 (VCV001701119.31), dbSNP rs1661088751, ClinGen allele CA1219579370.

ClinVar aggregate classification (germline): Likely pathogenic (1 of 4 stars; one submission).

Allele frequency attached by ClinVar (database versions not stated): gnomAD exomes below 0.00001; TOPMed below 0.00001.

Submission:

CeGaT Center for Human Genetics Tuebingen
Classification: Likely pathogenic. Last evaluated: 2022-07-01. Review status: criteria provided, single submitter. Criteria: CeGaT Center For Human Genetics Tuebingen Variant Classification Criteria Version 2. Collection method: clinical testing. Allele origin: germline. Affected: yes. Observed: 1 variant allele.
Comment: CACNA1S: PVS1:Strong, PM2